The following is an entry in ClinVar:

ClinVar aggregate classification (germline): Benign. Review status: criteria provided, multiple submitters, no conflicts (2 of 4 stars). 3 submissions from 3 submitters: Benign (3). Last evaluated 2026-02-01.

Conditions:
Primary immunodeficiency with natural-killer cell deficiency and adrenal insufficiency (IMD54). Also called: Natural killer cell and glucocorticoid deficiency with DNA repair defect; IMMUNODEFICIENCY 54. Identifiers: Orphanet 75391, MedGen C1864947, MONDO:0012383, OMIM 609981.

Allele frequency attached by ClinVar (database versions not stated): gnomAD 0.00337 and 0.00399; TOPMed 0.00366; gnomAD exomes 0.00374 and 0.00527; ESP Exome Variant Server 0.00400; ExAC 0.00567; 1000 Genomes Project 30x 0.00781; 1000 Genomes Project 0.00859.
gnomAD v4.1: 6,173 of 1,613,718 alleles (0.38%); highest among the groups gnomAD compares: South Asian, 2.5%; 62 homozygotes.

Submissions (3):

Labcorp Genetics (formerly Invitae), Labcorp
Classification: Benign. Last evaluated: 2026-02-01. Review status: criteria provided, single submitter. Criteria: Invitae Variant Classification Sherloc (09022015). Collection method: clinical testing. Allele origin: germline.

Illumina Laboratory Services, Illumina
Classification: Benign for Primary immunodeficiency with natural-killer cell deficiency and adrenal insufficiency. Last evaluated: 2018-01-12. Review status: criteria provided, single submitter. Criteria: ICSL Variant Classification Criteria 13 December 2019. Collection method: clinical testing. Allele origin: germline.
Comment: This variant was observed in the ICSL laboratory as part of a predisposition screen in an ostensibly healthy population. It had not been previously curated by ICSL or reported in the Human Gene Mutation Database (HGMD: prior to June 1st, 2018), and was therefore a candidate for classification through an automated scoring system. Utilizing variant allele frequency, disease prevalence and penetrance estimates, and inheritance mode, an automated score was calculated to assess if this variant is too frequent to cause the disease. Based on the score and internal cut-off values, a variant classified as benign is not then subjected to further curation. The score for this variant resulted in a classification of benign for this disease.

Breakthrough Genomics
Classification: Benign. Review status: criteria provided, single submitter. Criteria: ACMG Guidelines, 2015. Collection method: not provided. Allele origin: germline. Inheritance: Autosomal recessive inheritance. Affected: yes.

NM_182746.3(MCM4):c.858C>T (p.Ser286=)

Gene: MCM4 (minichromosome maintenance complex component 4; plus strand). Cytogenetic location: 8q11.21.
Variant type: single nucleotide variant.
Coding change: c.858C>T on transcript NM_182746.3 (MANE Select); coding-DNA position 858, C replaced by T.
Protein change: p.Ser286=; no amino-acid change (serine 286 retained).
Molecular consequence: synonymous variant.
Genome position (GRCh38, 1-based): chr8:47,966,212, C>T. VCF-style: chr8-47966212-C-T. GRCh37 (hg19) VCF-style: chr8-48878772-C-T.
Other names: c.858C>T, p.Ser286= (LRG_1239t1, NM_005914.4).
Identifiers: ClinVar variation 363223 (VCV000363223.16), dbSNP rs17334388, ClinGen allele CA4742451.
Genomic context (GRCh38, chr8:47,966,212, plus strand): 5'-GGTCAGGTGTGCTGACCTCTCTTCTCCCCTCACAGACATTGACCAGCTCATCACCATCAG[C>T]GGCATGGTGATCAGGACATCCCAGCTGATTCCCGAGATGCAGGAGGCCTTCTTCCAGTGC-3'
Protein context (NP_877423.1, residues 276-296): PEDIDQLITI[Ser286=]GMVIRTSQLI